The following is an entry in ClinVar:

NM_000669.5(ADH1C):c.232= (p.Gly78=)

Gene: ADH1C (alcohol dehydrogenase 1C (class I), gamma polypeptide; minus strand). Cytogenetic location: 4q23.
Variant type: single nucleotide variant.
Coding change: c.232= on transcript NM_000669.5 (MANE Select); coding-DNA position 232, no change from the reference sequence.
Protein change: p.Gly78=; no amino-acid change (glycine 78 retained).
Molecular consequence: no sequence alteration. On other transcripts: non-coding transcript variant (1).
Genome position: GRCh38 VCF-style: chr4-99347033-C-C. GRCh37 (hg19) VCF-style: chr4-100268190-A-C.
Identifiers: ClinVar variation 402344 (VCV000402344.5), dbSNP rs283413.

ClinVar aggregate classification (germline): Benign. Review status: criteria provided, multiple submitters, no conflicts (2 of 4 stars). 2 submissions from 2 submitters: Benign (2). Last evaluated 2016-03-28.

Allele frequency attached by ClinVar (database versions not stated): gnomAD exomes 0.98774; TOPMed 0.98952; gnomAD 0.99065; 1000 Genomes Project 30x 0.99204.

Submissions (2):

Laboratory for Molecular Medicine, Mass General Brigham Personalized Medicine
Classification: Benign. Last evaluated: 2016-03-28. Review status: criteria provided, single submitter. Criteria: LMM Criteria. Collection method: clinical testing. Allele origin: germline.
Comment: Variant identified in a genome or exome case(s) and assessed due to predicted null impact of the variant or pathogenic assertions in the literature or databases. Disclaimer: This variant has not undergone full assessment. The following are preliminary notes: Frequency in ESP (all): 12891/13000=99.1%

Breakthrough Genomics
Classification: Benign. Review status: criteria provided, single submitter. Criteria: ACMG Guidelines, 2015. Collection method: not provided. Allele origin: germline. Inheritance: Autosomal dominant inheritance. Affected: yes.